The following is an entry in ClinVar:

NM_019098.5(CNGB3):c.230dup (p.Asn77fs)

Gene: CNGB3 (cyclic nucleotide gated channel subunit beta 3; minus strand). Cytogenetic location: 8q21.3.
Variant type: Duplication.
Coding change: c.230dup on transcript NM_019098.5 (MANE Select); coding-DNA position 230, one base duplicated (A; older notation c.230dupA).
Protein change: p.Asn77fs; shifts the reading frame from asparagine 77.
Molecular consequence: frameshift variant.
Genome position (GRCh38, 1-based): chr8:86,726,639, T duplicated on the plus strand (A on the coding strand, the reverse complement: CNGB3 is on the minus strand); the first of 5 consecutive T bases (chr8:86,726,639-86,726,643); duplicating any one gives the same sequence. VCF-style (leftmost placement, unchanged base first): chr8-86726638-A-AT. GRCh37 (hg19) VCF-style: chr8-87738866-A-AT.
Other names: short protein forms N77fs.
Identifiers: ClinVar variation 5015587 (VCV005015587.1).

ClinVar aggregate classification (germline): Pathogenic (1 of 4 stars; one submission).

Conditions:
Achromatopsia 3 (ACHM3). Also called: ACHROMATOPSIA WITH MYOPIA; PINGELAPESE BLINDNESS; TOTAL COLORBLINDNESS WITH MYOPIA; ROD MONOCHROMACY 1; ROD MONOCHROMATISM 1. Identifiers: Orphanet 49382, MedGen C1849792, MONDO:0009875, OMIM 262300.

Submission:

Myriad Genetics, Inc.
Classification: Pathogenic for Achromatopsia 3. Last evaluated: 2026-02-21. Review status: criteria provided, single submitter. Criteria: Myriad Autosomal Dominant, Autosomal Recessive and X-Linked Classification Criteria (2023). Collection method: clinical testing. Allele origin: unknown.
Comment: NM_019098.4(CNGB3):c.230dupA(N77Kfs*11) is expected to be pathogenic in the context of achromatopsia, CNGB3-related. This variant is predicted to lead to an abnormal or absent protein product due to the creation of a premature termination codon in CNGB3, a gene where loss-of-function variants are known to be pathogenic. Please note: this variant was assessed in the context of healthy population screening.